The following is an entry in ClinVar:

ClinVar aggregate classification (germline): Conflicting classifications of pathogenicity. Review status: criteria provided, conflicting classifications (1 of 4 stars). 5 submissions from 5 submitters: Uncertain significance (1); Likely benign (3). 1 of the submissions does not count toward it. Last evaluated 2026-01-11.

Conditions:
Glucose-6-phosphate transport defect (GSD1B). Also called: Glycogen Storage Disease Type Ib; GSD Ib. Identifiers: Orphanet 364, Orphanet 79259, MedGen C0268146, MONDO:0009288, OMIM 232220.

Allele frequency attached by ClinVar (database versions not stated): gnomAD 0.00001; gnomAD exomes 0.00001; TOPMed 0.00001; ExAC 0.00004.

Submissions (5):

Labcorp Genetics (formerly Invitae), Labcorp
Classification: Likely benign for Glucose-6-phosphate transport defect. Last evaluated: 2026-01-11. Review status: criteria provided, single submitter. Criteria: Invitae Variant Classification Sherloc (09022015). Collection method: clinical testing. Allele origin: germline.

Blueprint Genetics
Classification: Likely benign. Last evaluated: 2022-12-23. Review status: criteria provided, single submitter. Criteria: ACMG Guidelines, 2015. Collection method: clinical testing. Allele origin: germline.

GeneDx
Classification: Likely benign. Last evaluated: 2017-02-02. Review status: criteria provided, single submitter. Criteria: GeneDx Variant Classification (06012015). Collection method: clinical testing. Allele origin: germline. Affected: yes.
Comment: This variant is considered likely benign or benign based on one or more of the following criteria: it is a conservative change, it occurs at a poorly conserved position in the protein, it is predicted to be benign by multiple in silico algorithms, and/or has population frequency not consistent with disease.

Eurofins Ntd Llc (ga)
Classification: Uncertain significance. Last evaluated: 2016-02-10. Review status: criteria provided, single submitter. Criteria: EGL Classification Definitions 2015. Collection method: clinical testing. Allele origin: germline. Observed: 1 variant allele, 1 heterozygote.

Natera, Inc.
Classification: Uncertain significance for Glycogen storage disease type Ib. Last evaluated: 2020-04-16. Review status: no assertion criteria provided. Collection method: clinical testing. Allele origin: germline. Not counted in ClinVar's aggregate classification.

NM_001164277.2(SLC37A4):c.786-7A>G

Gene: SLC37A4 (solute carrier family 37 member 4; minus strand). Cytogenetic location: 11q23.3.
Variant type: single nucleotide variant.
Coding change: c.786-7A>G on transcript NM_001164277.2 (MANE Select); 7 bases into the intron before coding-DNA position 786, A replaced by G.
Molecular consequence: intron variant.
Genome position (GRCh38, 1-based): chr11:119,026,695, T>C on the plus strand (A>G on the coding strand, the complement: SLC37A4 is on the minus strand). VCF-style: chr11-119026695-T-C. GRCh37 (hg19) VCF-style: chr11-118897405-T-C.
Other names: c.567-7A>G (NM_001164279.2); c.786-7A>G (NM_001467.6, NM_001164278.2, NM_001164280.2).
Identifiers: ClinVar variation 286078 (VCV000286078.15), dbSNP rs781887799, ClinGen allele CA6311728.